The following is an entry in ClinVar:

ClinVar aggregate classification (germline): Uncertain significance. Review status: criteria provided, multiple submitters, no conflicts (2 of 4 stars). 2 submissions from 2 submitters: Uncertain significance (2). Last evaluated 2026-09-04.

Submissions (2):

GeneDx
Classification: Uncertain significance. Last evaluated: 2026-09-04. Review status: criteria provided, single submitter. Criteria: GeneDx Variant Classification Process June 2021. Collection method: clinical testing. Allele origin: germline.
Comment: Not observed at significant frequency in large population cohorts (gnomAD); In silico analysis supports that this missense variant has a deleterious effect on protein structure/function; Has not been previously published as pathogenic or benign to our knowledge

Labcorp Genetics (formerly Invitae), Labcorp
Classification: Uncertain significance. Last evaluated: 2022-07-26. Review status: criteria provided, single submitter. Criteria: Invitae Variant Classification Sherloc (09022015). Collection method: clinical testing. Allele origin: germline.
Comment: This variant has not been reported in the literature in individuals affected with GABRA2-related conditions. In summary, the available evidence is currently insufficient to determine the role of this variant in disease. Therefore, it has been classified as a Variant of Uncertain Significance. Algorithms developed to predict the effect of missense changes on protein structure and function are either unavailable or do not agree on the potential impact of this missense change (SIFT: "Not Available"; PolyPhen-2: "Probably Damaging"; Align-GVGD: "Not Available"). This variant is not present in population databases (gnomAD no frequency). This sequence change replaces arginine, which is basic and polar, with tryptophan, which is neutral and slightly polar, at codon 301 of the GABRA2 protein (p.Arg301Trp).

NM_000807.4(GABRA2):c.901C>T (p.Arg301Trp)

Gene: GABRA2 (gamma-aminobutyric acid type A receptor subunit alpha2; minus strand). Cytogenetic location: 4p12.
Variant type: single nucleotide variant.
Coding change: c.901C>T on transcript NM_000807.4 (MANE Select); coding-DNA position 901, C replaced by T.
Protein change: p.Arg301Trp; replaces arginine 301 with tryptophan.
Molecular consequence: missense variant.
Genome position (GRCh38, 1-based): chr4:46,262,084, G>A on the plus strand (C>T on the coding strand, the complement: GABRA2 is on the minus strand). VCF-style: chr4-46262084-G-A. GRCh37 (hg19) VCF-style: chr4-46264101-G-A.
Other names: c.901C>T (NM_001114175.1); c.901C>T, p.Arg301Trp (NM_001114175.3, NM_001330690.2, NM_001377144.1 and 8 more transcripts); c.736C>T, p.Arg246Trp (NM_001286827.3, NM_001377152.1, NM_001377153.1 and 1 more transcripts); short protein forms R246W, R301W.
Identifiers: ClinVar variation 2059881 (VCV002059881.6), dbSNP rs2475296173, ClinGen allele CA356804463.